The following is an entry in ClinVar:

ClinVar aggregate classification (germline): Conflicting classifications of pathogenicity. Review status: criteria provided, conflicting classifications (1 of 4 stars). 3 submissions from 3 submitters: Likely pathogenic (2); Uncertain significance (1). Last evaluated 2024-02-06.

Conditions:
Autosomal dominant nonsyndromic hearing loss 23. Identifiers: Orphanet 90635, MedGen C1854594, MONDO:0011519, OMIM 605192.
Branchiootic syndrome 3 (BOS3). Also called: BO SYNDROME 3. Identifiers: MedGen C1842124, MONDO:0012025, OMIM 608389.
SIX1-related disorder. Also called: SIX1-related condition.

Submissions (3):

Labcorp Genetics (formerly Invitae), Labcorp
Classification: Uncertain significance for Autosomal dominant nonsyndromic hearing loss 23; Branchiootic syndrome 3. Last evaluated: 2024-02-06. Review status: criteria provided, single submitter. Criteria: Invitae Variant Classification Sherloc (09022015). Collection method: clinical testing. Allele origin: germline.
Comment: This sequence change replaces asparagine, which is neutral and polar, with lysine, which is basic and polar, at codon 170 of the SIX1 protein (p.Asn170Lys). This variant is not present in population databases (gnomAD no frequency). This variant has not been reported in the literature in individuals affected with SIX1-related conditions. ClinVar contains an entry for this variant (Variation ID: 1175856). Advanced modeling of protein sequence and biophysical properties (such as structural, functional, and spatial information, amino acid conservation, physicochemical variation, residue mobility, and thermodynamic stability) performed at Invitae indicates that this missense variant is expected to disrupt SIX1 protein function with a positive predictive value of 80%. In summary, the available evidence is currently insufficient to determine the role of this variant in disease. Therefore, it has been classified as a Variant of Uncertain Significance.

Blueprint Genetics
Classification: Likely pathogenic for SIX1-related disorders. Last evaluated: 2022-09-21. Review status: criteria provided, single submitter. Criteria: ACMG Guidelines, 2015. Collection method: clinical testing. Allele origin: germline. Affected: yes. Observed: 1 variant allele.

CeGaT Center for Human Genetics Tuebingen
Classification: Likely pathogenic. Last evaluated: 2021-04-01. Review status: criteria provided, single submitter. Criteria: CeGaT Center For Human Genetics Tuebingen Variant Classification Criteria Version 2. Collection method: clinical testing. Allele origin: germline. Affected: yes. Observed: 1 variant allele.

NM_005982.4(SIX1):c.510C>G (p.Asn170Lys)

Genes: MIR9718 (microRNA 9718; plus strand), SIX1 (SIX homeobox 1; minus strand). Cytogenetic location: 14q23.1.
Variant type: single nucleotide variant.
Coding change: c.510C>G on transcript NM_005982.4 (MANE Select); coding-DNA position 510, C replaced by G.
Protein change: p.Asn170Lys; replaces asparagine 170 with lysine.
Molecular consequence: missense variant. On other transcripts: non-coding transcript variant (1).
Genome position (GRCh38, 1-based): chr14:60,648,680, G>C on the plus strand (C>G on the coding strand, the complement: SIX1 is on the minus strand). VCF-style: chr14-60648680-G-C. GRCh37 (hg19) VCF-style: chr14-61115398-G-C.
Other names: short protein forms N170K.
Identifiers: ClinVar variation 1175856 (VCV001175856.38), dbSNP rs1555366309, ClinGen allele CA389910163.
Genomic context (GRCh38, chr14:60,648,680, plus strand): 5'-CGCCGCGTACCTTTCCTTGGCCTCCGCGGCCCGGTCTCTTTGCCTCCGGTTCTTAAACCA[G>C]TTGCTGACCTGGGTGGTGGTGAGGCCGGTGGCCTCGGCCAGCTCCCGCTTCTCACGCGGC-3'
Protein context (NP_005973.1, residues 160-180): ATGLTTTQVS[Asn170Lys]WFKNRRQRDR